The following is an entry in ClinVar:

NM_020207.7(ERCC6L2):c.3278G>C (p.Cys1093Ser)

Gene: ERCC6L2 (ERCC excision repair 6 like 2; plus strand). Cytogenetic location: 9q22.32.
Variant type: single nucleotide variant.
Coding change: c.3278G>C on transcript NM_020207.7 (MANE Select); coding-DNA position 3278, G replaced by C.
Protein change: p.Cys1093Ser; replaces cysteine 1093 with serine.
Molecular consequence: missense variant. On other transcripts: non-coding transcript variant (1).
Genome position (GRCh38, 1-based): chr9:95,973,029, G>C. VCF-style: chr9-95973029-G-C. GRCh37 (hg19) VCF-style: chr9-98735311-G-C.
Other names: c.3278G>C, p.Cys1093Ser (NM_001375291.1, NM_001375292.1, NM_001375293.1 and 1 more transcripts); short protein forms C1093S.
Identifiers: ClinVar variation 2762428 (VCV002762428.3), dbSNP rs565391366, ClinGen allele CA2697557869.

ClinVar aggregate classification (germline): Uncertain significance (1 of 4 stars; one submission).

Submission:

Labcorp Genetics (formerly Invitae), Labcorp
Classification: Uncertain significance. Last evaluated: 2023-06-03. Review status: criteria provided, single submitter. Criteria: Invitae Variant Classification Sherloc (09022015). Collection method: clinical testing. Allele origin: germline.
Comment: This sequence change replaces cysteine, which is neutral and slightly polar, with serine, which is neutral and polar, at codon 1104 of the ERCC6L2 protein (p.Cys1104Ser). This variant is not present in population databases (gnomAD no frequency). This variant has not been reported in the literature in individuals affected with ERCC6L2-related conditions. Experimental studies and prediction algorithms are not available or were not evaluated, and the functional significance of this variant is currently unknown. In summary, the available evidence is currently insufficient to determine the role of this variant in disease. Therefore, it has been classified as a Variant of Uncertain Significance.